The following is an entry in ClinVar:

ClinVar aggregate classification (germline): Uncertain significance. Review status: criteria provided, multiple submitters, no conflicts (2 of 4 stars). 2 submissions from 2 submitters: Uncertain significance (2). Last evaluated 2024-07-05.

Allele frequency attached by ClinVar (database versions not stated): gnomAD 0.00001; gnomAD exomes 0.00001; TOPMed 0.00001.

Submissions (2):

Labcorp Genetics (formerly Invitae), Labcorp
Classification: Uncertain significance. Last evaluated: 2024-07-05. Review status: criteria provided, single submitter. Criteria: Invitae Variant Classification Sherloc (09022015). Collection method: clinical testing. Allele origin: germline.
Comment: This sequence change replaces arginine, which is basic and polar, with cysteine, which is neutral and slightly polar, at codon 392 of the COL2A1 protein (p.Arg392Cys). This variant is present in population databases (no rsID available, gnomAD 0.003%). This variant has not been reported in the literature in individuals affected with COL2A1-related conditions. ClinVar contains an entry for this variant (Variation ID: 1927754). Advanced modeling of protein sequence and biophysical properties (such as structural, functional, and spatial information, amino acid conservation, physicochemical variation, residue mobility, and thermodynamic stability) performed at Invitae indicates that this missense variant is expected to disrupt COL2A1 protein function with a positive predictive value of 95%. In summary, the available evidence is currently insufficient to determine the role of this variant in disease. Therefore, it has been classified as a Variant of Uncertain Significance.

Blueprint Genetics
Classification: Uncertain significance. Last evaluated: 2019-05-24. Review status: criteria provided, single submitter. Criteria: ACMG Guidelines, 2015. Collection method: clinical testing. Allele origin: germline.

NM_001844.5(COL2A1):c.1174C>T (p.Arg392Cys)

Gene: COL2A1 (collagen type II alpha 1 chain; minus strand). Cytogenetic location: 12q13.11.
Variant type: single nucleotide variant.
Coding change: c.1174C>T on transcript NM_001844.5 (MANE Select); coding-DNA position 1174, C replaced by T.
Protein change: p.Arg392Cys; replaces arginine 392 with cysteine.
Molecular consequence: missense variant.
Genome position (GRCh38, 1-based): chr12:47,987,658, G>A on the plus strand (C>T on the coding strand, the complement: COL2A1 is on the minus strand). VCF-style: chr12-47987658-G-A. GRCh37 (hg19) VCF-style: chr12-48381441-G-A.
Other names: c.967C>T, p.Arg323Cys (NM_033150.3); short protein forms R323C, R392C.
Identifiers: ClinVar variation 1927754 (VCV001927754.6), dbSNP rs1375414971, ClinGen allele CA384554513.
Genomic context (GRCh38, chr12:47,987,658, plus strand): 5'-AAGCTGCACTTACGGAGGCACCAGCAGGCCCAGGGGACCCAGGAGTACCAGGTTCACCGC[G>A]AGGACCTTGAGCACCTTCAGGACCACGGGCACCAGTGGGGCCGGCTTCACCCTGGGAAGA-3'
Protein context (NP_001835.3, residues 382-402): ARGPEGAQGP[Arg392Cys]GEPGTPGSPG